The following is an entry in ClinVar:

NM_031935.3(HMCN1):c.2266C>T (p.Leu756Phe)

Gene: HMCN1 (hemicentin 1; plus strand). Cytogenetic location: 1q31.1.
Variant type: single nucleotide variant.
Coding change: c.2266C>T on transcript NM_031935.3 (MANE Select); coding-DNA position 2266, C replaced by T.
Protein change: p.Leu756Phe; replaces leucine 756 with phenylalanine.
Molecular consequence: missense variant.
Genome position (GRCh38, 1-based): chr1:185,970,388, C>T. VCF-style: chr1-185970388-C-T. GRCh37 (hg19) VCF-style: chr1-185939520-C-T.
Other names: c.2266C>T (NM_031935.2); short protein forms L756F.
Identifiers: ClinVar variation 1472780 (VCV001472780.8), dbSNP rs754608294, ClinGen allele CA1291344.

ClinVar aggregate classification (germline): Uncertain significance. Review status: criteria provided, multiple submitters, no conflicts (2 of 4 stars). 3 submissions from 3 submitters: Uncertain significance (3). Last evaluated 2024-12-03.

Conditions:
Age related macular degeneration 1 (ARMD1). Also called: MACULOPATHY, AGE-RELATED, 1. Identifiers: MedGen C1864205, MONDO:0011285, OMIM 603075.

Allele frequency attached by ClinVar (database versions not stated): ExAC 0.00001; gnomAD exomes 0.00002; gnomAD 0.00003; TOPMed 0.00003.
gnomAD v4.1: 16 of 1,613,518 alleles (0.00099%); highest among the groups gnomAD compares: African/African-American, 0.0053%; no homozygotes.

Submissions (3):

Labcorp Genetics (formerly Invitae), Labcorp
Classification: Uncertain significance. Last evaluated: 2024-12-03. Review status: criteria provided, single submitter. Criteria: Invitae Variant Classification Sherloc (09022015). Collection method: clinical testing. Allele origin: germline.
Comment: This sequence change replaces leucine, which is neutral and non-polar, with phenylalanine, which is neutral and non-polar, at codon 756 of the HMCN1 protein (p.Leu756Phe). This variant is present in population databases (rs754608294, gnomAD 0.007%). This variant has not been reported in the literature in individuals affected with HMCN1-related conditions. ClinVar contains an entry for this variant (Variation ID: 1472780). An algorithm developed to predict the effect of missense changes on protein structure and function (PolyPhen-2) suggests that this variant is likely to be disruptive. In summary, the available evidence is currently insufficient to determine the role of this variant in disease. Therefore, it has been classified as a Variant of Uncertain Significance.

Genome-Nilou Lab
Classification: Uncertain significance for Age related macular degeneration 1. Last evaluated: 2023-04-11. Review status: criteria provided, single submitter. Criteria: ACMG Guidelines, 2015. Collection method: clinical testing. Allele origin: germline. Affected: no.

Ambry Genetics
Classification: Uncertain significance. Last evaluated: 2022-10-07. Review status: criteria provided, single submitter. Criteria: Ambry Variant Classification Scheme 2023. Collection method: clinical testing. Allele origin: germline.